The following is an entry in ClinVar:

NM_024426.6(WT1):c.667A>G (p.Ser223Gly)

Gene: WT1 (WT1 transcription factor; minus strand). Cytogenetic location: 11p13.
Variant type: single nucleotide variant.
Coding change: c.667A>G on transcript NM_024426.6 (MANE Select); coding-DNA position 667, A replaced by G.
Protein change: p.Ser223Gly; replaces serine 223 with glycine.
Molecular consequence: missense variant. On other transcripts: 5 prime UTR variant (1), non-coding transcript variant (2), intron variant (2).
Genome position (GRCh38, 1-based): chr11:32,428,614, T>C on the plus strand (A>G on the coding strand, the complement: WT1 is on the minus strand). VCF-style: chr11-32428614-T-C. GRCh37 (hg19) VCF-style: chr11-32450160-T-C.
Other names: c.667A>G, p.Ser223Gly (NM_000378.6, NM_001407044.1, NM_001407045.1 and 4 more transcripts); c.16A>G, p.Ser6Gly (NM_001198551.2, NM_001198552.2); c.-96A>G (NM_001407051.1); c.652A>G, p.Ser218Gly (NM_024425.2); c.662-556A>G (NM_001407050.1, NM_001407047.1); short protein forms S218G, S223G, S6G.
Identifiers: ClinVar variation 2935473 (VCV002935473.3), dbSNP rs2494433230, ClinGen allele CA379963609.
Genomic context (GRCh38, chr11:32,428,614, plus strand): 5'-GCGCCGCATGGTGCGAGGGCGTGTGACCGTAGCTGGGCGTCCCGTCGAAGGTGACCGTGC[T>C]GTAACCTGCGGGAGCGGCGGAGAGAAGCACAGTGTCAGCGGTGCTCTCGCAAGACGGGGC-3'
Protein context (NP_077744.4, residues 213-233): SQPAIRNQGY[Ser223Gly]TVTFDGTPSY

ClinVar aggregate classification (germline): Uncertain significance (1 of 4 stars; one submission).

Conditions:
Drash syndrome (DDS). Also called: NEPHROPATHY, WILMS TUMOR, AND GENITAL ANOMALIES; WILMS TUMOR AND PSEUDO- OR TRUE HERMAPHRODITISM. Identifiers: Orphanet 220, MedGen C0950121, MONDO:0008682, OMIM 194080.
Wilms tumor 1 (WT1). Also called: Wilms tumor, somatic. Identifiers: Orphanet 654, MedGen CN033288, MONDO:0008679, OMIM 194070.
11p partial monosomy syndrome (WAGR). Also called: WAGR syndrome; WAGR Complex; CHROMOSOME 11p13 DELETION SYNDROME; WAGR Spectrum Disorder. Identifiers: Orphanet 893, MedGen C0206115, MONDO:0008681, OMIM 194072.
Frasier syndrome. Identifiers: Orphanet 347, MedGen C0950122, MeSH D052159, MONDO:0007635, OMIM 136680.

Submission:

Labcorp Genetics (formerly Invitae), Labcorp
Classification: Uncertain significance for Wilms tumor 1; Drash syndrome; 11p partial monosomy syndrome; Frasier syndrome. Last evaluated: 2022-11-10. Review status: criteria provided, single submitter. Criteria: Invitae Variant Classification Sherloc (09022015). Collection method: clinical testing. Allele origin: germline.
Comment: In summary, the available evidence is currently insufficient to determine the role of this variant in disease. Therefore, it has been classified as a Variant of Uncertain Significance. Algorithms developed to predict the effect of missense changes on protein structure and function (SIFT, PolyPhen-2, Align-GVGD) all suggest that this variant is likely to be tolerated. This variant has not been reported in the literature in individuals affected with WT1-related conditions. This variant is not present in population databases (gnomAD no frequency). This sequence change replaces serine, which is neutral and polar, with glycine, which is neutral and non-polar, at codon 218 of the WT1 protein (p.Ser218Gly).